The following is an entry in ClinVar:

ClinVar aggregate classification (germline): Uncertain significance. Review status: criteria provided, multiple submitters, no conflicts (2 of 4 stars). 2 submissions from 2 submitters: Uncertain significance (2). Last evaluated 2026-03-30.

Conditions:
Joubert syndrome 3 (JBTS3). Also called: AHI1-related Ciliopathy. Identifiers: Orphanet 220493, MedGen C1837713, MONDO:0012078, OMIM 608629.

gnomAD v4.1: 5 of 1,591,342 alleles (0.00031%); highest among the groups gnomAD compares: Non-Finnish European, 0.00043%; no homozygotes.

Submissions (2):

Myriad Genetics, Inc.
Classification: Uncertain significance for Joubert syndrome 3. Last evaluated: 2026-03-30. Review status: criteria provided, single submitter. Criteria: Myriad Autosomal Dominant, Autosomal Recessive and X-Linked Classification Criteria (2023). Collection method: clinical testing. Allele origin: unknown.
Comment: NM_001134831.1(AHI1):c.2433T>G(N811K) is a missense variant classified as a variant of uncertain significance in the context of Joubert syndrome, AHI1-related. N811K has been observed in a case with relevant disease (PMID: 20683928). Relevant functional assessments of this variant are not available in the literature. N811K has been observed in referenced population frequency databases. In summary, there is insufficient evidence to classify NM_001134831.1(AHI1):c.2433T>G(N811K) as pathogenic or benign. Please note: this variant was assessed in the context of healthy population screening.

Blueprint Genetics
Classification: Uncertain significance. Last evaluated: 2024-10-09. Review status: criteria provided, single submitter. Criteria: ACMG Guidelines, 2015. Collection method: clinical testing. Allele origin: germline.

Literature cited by the submitters: PubMed 20683928 (cited by Myriad Genetics, Inc.).

NM_001134831.2(AHI1):c.2433T>G (p.Asn811Lys)

Gene: AHI1 (Abelson helper integration site 1; minus strand). Cytogenetic location: 6q23.3.
Variant type: single nucleotide variant.
Coding change: c.2433T>G on transcript NM_001134831.2 (MANE Select); coding-DNA position 2433, T replaced by G.
Protein change: p.Asn811Lys; replaces asparagine 811 with lysine.
Molecular consequence: missense variant.
Genome position (GRCh38, 1-based): chr6:135,429,941, A>C on the plus strand (T>G on the coding strand, the complement: AHI1 is on the minus strand). VCF-style: chr6-135429941-A-C. GRCh37 (hg19) VCF-style: chr6-135751079-A-C.
Other names: c.2433T>G, p.Asn811Lys (NM_001134830.2, NM_001134832.2, NM_001350503.2 and 2 more transcripts); short protein forms N811K.
Identifiers: ClinVar variation 4894067 (VCV004894067.2).